The following is an entry in ClinVar:

ClinVar aggregate classification (germline): Uncertain significance (1 of 4 stars; one submission).

gnomAD v4.1: 1 of 1,614,104 alleles (0.000062%); highest among the groups gnomAD compares: Admixed American, 0.0017%; no homozygotes.

Submission:

CeGaT Center for Human Genetics Tuebingen
Classification: Uncertain significance. Last evaluated: 2026-07-01. Review status: criteria provided, single submitter. Criteria: CeGaT Center For Human Genetics Tuebingen Variant Classification Criteria Version 2. Collection method: clinical testing. Allele origin: germline. Affected: yes. Observed: 1 variant allele.
Comment: ATP1A3: PM2, BP4

NM_152296.5(ATP1A3):c.1956C>G (p.Ala652=)

Gene: ATP1A3 (ATPase Na+/K+ transporting subunit alpha 3; minus strand). Cytogenetic location: 19q13.2.
Variant type: single nucleotide variant.
Coding change: c.1956C>G on transcript NM_152296.5 (MANE Select); coding-DNA position 1956, C replaced by G.
Protein change: p.Ala652=; no amino-acid change (alanine 652 retained).
Molecular consequence: synonymous variant.
Genome position (GRCh38, 1-based): chr19:41,976,554, G>C on the plus strand (C>G on the coding strand, the complement: ATP1A3 is on the minus strand). VCF-style: chr19-41976554-G-C. GRCh37 (hg19) VCF-style: chr19-42480706-G-C.
Other names: c.1989C>G, p.Ala663= (NM_001256213.2); c.1995C>G, p.Ala665= (NM_001256214.2).
Identifiers: ClinVar variation 4875402 (VCV004875402.2).